The following is an entry in ClinVar:

NM_000419.5(ITGA2B):c.1389C>T (p.Tyr463=)

Gene: ITGA2B (integrin subunit alpha 2b; minus strand). Cytogenetic location: 17q21.31.
Variant type: single nucleotide variant.
Coding change: c.1389C>T on transcript NM_000419.5 (MANE Select); coding-DNA position 1389, C replaced by T.
Protein change: p.Tyr463=; no amino-acid change (tyrosine 463 retained).
Molecular consequence: synonymous variant.
Genome position (GRCh38, 1-based): chr17:44,380,883, G>A on the plus strand (C>T on the coding strand, the complement: ITGA2B is on the minus strand). VCF-style: chr17-44380883-G-A. GRCh37 (hg19) VCF-style: chr17-42458251-G-A.
Other names: NM_000419.5(ITGA2B):c.1389C>T; p.Tyr463=.
Identifiers: ClinVar variation 888903 (VCV000888903.4), dbSNP rs148618973, ClinGen allele CA8603151.

ClinVar aggregate classification (germline): Likely benign. Review status: reviewed by expert panel (3 of 4 stars). 2 submissions from 2 submitters: Likely benign (1). 1 of the submissions does not count toward it. Last evaluated 2023-08-15.

Conditions:
Glanzmann thrombasthenia. Also called: PLATELET GLYCOPROTEIN IIb-IIIa DEFICIENCY; BLEEDING DISORDER, PLATELET-TYPE, 2; THROMBASTHENIA OF GLANZMANN AND NAEGELI; Thrombasthenia; Glanzmann's thrombasthenia. Identifiers: Orphanet 849, MedGen C0040015, MONDO:0100326.

Allele frequency attached by ClinVar (database versions not stated): gnomAD exomes below 0.00001 and 0.00002; gnomAD 0.00001; ExAC 0.00002; TOPMed 0.00002; ESP Exome Variant Server 0.00008.

Submissions (2):

ClinGen Platelet Disorders Variant Curation Expert Panel, ClinGen
Classification: Likely benign for Glanzmann thrombasthenia. Last evaluated: 2023-08-15. Review status: reviewed by expert panel. Criteria: ClinGen Platelet ACMG Specifications v2-1. Collection method: curation. Allele origin: germline. Inheritance: Autosomal recessive inheritance.
Comment: The NM_000419.5(ITGA2B):c.1389C>T (p.Tyr463=) synonymous variant was observed by Illumina as part of a predisposition screen in an ostensibly healthy population. After a comprehensive literature search, the synonymous variant has not identified with any individuals with Glanzmann Thrombasthenia. The highest population minor allele frequency in gnomAD v2.1.1 is 0.0001230 (2/16254 alleles) in the African/African American population but the gnomAD v3.2.1 African/African American population has an additional 28728 alleles (non-overlapping with v2.1.1) with no occurrences of this variant. Overall, there is a frequency of 2/44,982 = 0.000044 which is lower than the ClinGen PD VCEP threshold <0.0001 for PM2_Supporting. In silico predictor SpliceAI revealed that the intronic mutation is not expected to impact splicing and a PhyloP score of 0.46 shows that the nucleotide position is not highly conserved (BP4, BP7). In summary, this variant meets the criteria to be classified as likely benign for autosomal recessive Glanzmann Thrombasthenia based on the ACMG/AMP criteria applied, as specified by the ClinGen PD VCEP: PM2_supporting, BP4 and BP7 (PD VCEP specifications version 2.1).

Illumina Laboratory Services, Illumina
Classification: Uncertain significance for Glanzmann thrombasthenia 1. Last evaluated: 2017-04-27. Review status: criteria provided, single submitter. Criteria: ICSL Variant Classification Criteria 13 December 2019. Collection method: clinical testing. Allele origin: germline. Not counted in ClinVar's aggregate classification.